The following is an entry in ClinVar:

NM_001374736.1(DST):c.1951C>T (p.Leu651Phe)

Gene: DST (dystonin; minus strand). Cytogenetic location: 6p12.1.
Variant type: single nucleotide variant.
Coding change: c.1951C>T on transcript NM_001374736.1 (MANE Select); coding-DNA position 1951, C replaced by T.
Protein change: p.Leu651Phe; replaces leucine 651 with phenylalanine.
Molecular consequence: missense variant.
Genome position (GRCh38, 1-based): chr6:56,642,023, G>A on the plus strand (C>T on the coding strand, the complement: DST is on the minus strand). VCF-style: chr6-56642023-G-A. GRCh37 (hg19) VCF-style: chr6-56506821-G-A.
Other names: c.1852C>T, p.Leu618Phe (NM_001144769.5); c.1438C>T, p.Leu480Phe (NM_001144770.2); c.1951C>T, p.Leu651Phe (NM_001374722.1); c.1318C>T, p.Leu440Phe (NM_001374729.1, NM_001374730.1, NM_001386100.1 and 1 more transcripts); c.1978C>T, p.Leu660Phe (NM_001374734.1); c.340C>T, p.Leu114Phe (NM_001723.7, NM_015548.5); short protein forms L440F, L114F, L651F, L480F, L618F, L660F.
Identifiers: ClinVar variation 1372827 (VCV001372827.5), dbSNP rs767375796, ClinGen allele CA3871526.

ClinVar aggregate classification (germline): Uncertain significance. Review status: criteria provided, multiple submitters, no conflicts (2 of 4 stars). 2 submissions from 2 submitters: Uncertain significance (2). Last evaluated 2022-09-07.

Conditions:
Epidermolysis bullosa simplex 3, localized or generalized intermediate, with BP230 deficiency (EBS3). Also called: Epidermolysis bullosa simplex due to BP230 deficiency; Epidermolysis bullosa simplex, autosomal recessive 2. Identifiers: Orphanet 412181, MedGen C3809470, MONDO:0014180, OMIM 615425.
Hereditary sensory and autonomic neuropathy type 6. Also called: HSAN VI; Neuropathy, hereditary sensory and autonomic, type VI. Identifiers: Orphanet 314381, MedGen C3539003, MONDO:0013839, OMIM 614653.
Inborn genetic diseases. Identifiers: MedGen C0950123, MeSH D030342.

Allele frequency attached by ClinVar (database versions not stated): ExAC 0.00002.
gnomAD v4.1: 25 of 1,612,660 alleles (0.0016%); highest among the groups gnomAD compares: Non-Finnish European, 0.002%; no homozygotes.

Submissions (2):

Labcorp Genetics (formerly Invitae), Labcorp
Classification: Uncertain significance for Epidermolysis bullosa simplex 3, localized or generalized intermediate, with BP230 deficiency; Hereditary sensory and autonomic neuropathy type 6. Last evaluated: 2022-09-07. Review status: criteria provided, single submitter. Criteria: Invitae Variant Classification Sherloc (09022015). Collection method: clinical testing. Allele origin: germline.
Comment: This sequence change replaces leucine, which is neutral and non-polar, with phenylalanine, which is neutral and non-polar, at codon 114 of the DST protein (p.Leu114Phe). This variant is present in population databases (rs767375796, gnomAD 0.004%). This variant has not been reported in the literature in individuals affected with DST-related conditions. ClinVar contains an entry for this variant (Variation ID: 1372827). Algorithms developed to predict the effect of missense changes on protein structure and function are either unavailable or do not agree on the potential impact of this missense change (SIFT: "Deleterious"; PolyPhen-2: "Benign"; Align-GVGD: "Class C15"). In summary, the available evidence is currently insufficient to determine the role of this variant in disease. Therefore, it has been classified as a Variant of Uncertain Significance.

Ambry Genetics
Classification: Uncertain significance for Inborn genetic diseases. Last evaluated: 2020-08-28. Review status: criteria provided, single submitter. Criteria: Ambry Variant Classification Scheme 2023. Collection method: clinical testing. Allele origin: germline.
Comment: The p.L618F variant (also known as c.1852C>T), located in coding exon 16 of the DST gene, results from a C to T substitution at nucleotide position 1852. The leucine at codon 618 is replaced by phenylalanine, an amino acid with highly similar properties. This amino acid position is well conserved in available vertebrate species. In addition, the in silico prediction for this alteration is inconclusive. Since supporting evidence is limited at this time, the clinical significance of this alteration remains unclear.